The following is an entry in ClinVar:

ClinVar aggregate classification (germline): Uncertain significance (1 of 4 stars; one submission).

Conditions:
Very long chain acyl-CoA dehydrogenase deficiency (ACADVLD). Also called: VLCAD Deficiency; Very Long-Chain Acyl-Coenzyme A Dehydrogenase Deficiency. Identifiers: Orphanet 26793, MedGen C3887523, MONDO:0008723, OMIM 201475.

Submission:

Labcorp Genetics (formerly Invitae), Labcorp
Classification: Uncertain significance for Very long chain acyl-CoA dehydrogenase deficiency. Last evaluated: 2024-03-21. Review status: criteria provided, single submitter. Criteria: Invitae Variant Classification Sherloc (09022015). Collection method: clinical testing. Allele origin: germline.
Comment: This sequence change replaces tryptophan, which is neutral and slightly polar, with serine, which is neutral and polar, at codon 249 of the ACADVL protein (p.Trp249Ser). This variant is not present in population databases (gnomAD no frequency). This variant has not been reported in the literature in individuals affected with ACADVL-related conditions. Advanced modeling of protein sequence and biophysical properties (such as structural, functional, and spatial information, amino acid conservation, physicochemical variation, residue mobility, and thermodynamic stability) performed at Invitae indicates that this missense variant is expected to disrupt ACADVL protein function with a positive predictive value of 95%. In summary, the available evidence is currently insufficient to determine the role of this variant in disease. Therefore, it has been classified as a Variant of Uncertain Significance.

NM_000018.4(ACADVL):c.746G>C (p.Trp249Ser)

Gene: ACADVL (acyl-CoA dehydrogenase very long chain; plus strand). Cytogenetic location: 17p13.1.
Variant type: single nucleotide variant.
Coding change: c.746G>C on transcript NM_000018.4 (MANE Select); coding-DNA position 746, G replaced by C.
Protein change: p.Trp249Ser; replaces tryptophan 249 with serine.
Molecular consequence: missense variant.
Genome position (GRCh38, 1-based): chr17:7,222,075, G>C. VCF-style: chr17-7222075-G-C. GRCh37 (hg19) VCF-style: chr17-7125394-G-C.
Other names: c.680G>C, p.Trp227Ser (NM_001033859.3); c.815G>C, p.Trp272Ser (NM_001270447.2); c.518G>C, p.Trp173Ser (NM_001270448.2); short protein forms W173S, W227S, W249S, W272S.
Identifiers: ClinVar variation 3616399 (VCV003616399.1).